The following is an entry in ClinVar:

NM_000075.4(CDK4):c.279T>C (p.Phe93=)

Gene: CDK4 (cyclin dependent kinase 4; minus strand). Cytogenetic location: 12q14.1.
Variant type: single nucleotide variant.
Coding change: c.279T>C on transcript NM_000075.4 (MANE Select); coding-DNA position 279, T replaced by C.
Protein change: p.Phe93=; no amino-acid change (phenylalanine 93 retained).
Molecular consequence: synonymous variant.
Genome position (GRCh38, 1-based): chr12:57,751,282, A>G on the plus strand (T>C on the coding strand, the complement: CDK4 is on the minus strand). VCF-style: chr12-57751282-A-G. GRCh37 (hg19) VCF-style: chr12-58145065-A-G.
Other names: c.279T>C (NM_000075.2).
Identifiers: ClinVar variation 483281 (VCV000483281.18), dbSNP rs1478574297, ClinGen allele CA480404583.

ClinVar aggregate classification (germline): Conflicting classifications of pathogenicity. Review status: criteria provided, conflicting classifications (1 of 4 stars). 4 submissions from 4 submitters: Uncertain significance (1); Benign (1); Likely benign (2). Last evaluated 2026-01-28.

Conditions:
Hereditary cancer-predisposing syndrome. Also called: Neoplastic Syndromes, Hereditary; Tumor predisposition; Hereditary Cancer Syndrome; Hereditary neoplastic syndrome. Identifiers: Orphanet 140162, MedGen C0027672, MeSH D009386, MONDO:0015356.
Familial melanoma. Also called: Hereditary melanoma; Hereditary cutaneous melanoma. Identifiers: Orphanet 618, MedGen C1512419, MONDO:0018961.
Melanoma, cutaneous malignant, susceptibility to, 3. Also called: Cutaneous malignant melanoma 3. Identifiers: Orphanet 618, MedGen C1836892, MONDO:0012183, OMIM 609048.

Allele frequency attached by ClinVar (database versions not stated): gnomAD exomes below 0.00001 and 0.00001; TOPMed 0.00001; gnomAD 0.00002.
gnomAD v4.1: 24 of 1,613,998 alleles (0.0015%); highest among the groups gnomAD compares: African/African-American, 0.004%; no homozygotes.

Submissions (4):

Labcorp Genetics (formerly Invitae), Labcorp
Classification: Likely benign for Familial melanoma. Last evaluated: 2026-01-28. Review status: criteria provided, single submitter. Criteria: Invitae Variant Classification Sherloc (09022015). Collection method: clinical testing. Allele origin: germline.

Myriad Genetics, Inc.
Classification: Benign for Melanoma, cutaneous malignant, susceptibility to, 3. Last evaluated: 2024-09-25. Review status: criteria provided, single submitter. Criteria: Myriad Autosomal Dominant, Autosomal Recessive and X-Linked Classification Criteria (2023). Collection method: clinical testing. Allele origin: unknown.
Comment: This variant is considered benign. This variant is a silent/synonymous amino acid change and it is not expected to impact splicing.

GeneDx
Classification: Uncertain significance. Last evaluated: 2023-05-01. Review status: criteria provided, single submitter. Criteria: GeneDx Variant Classification Process June 2021. Collection method: clinical testing. Allele origin: germline. Affected: yes.
Comment: Not observed at significant frequency in large population cohorts (gnomAD); In silico analysis supports that this variant does not alter splicing; Has not been previously published as pathogenic or benign to our knowledge

Ambry Genetics
Classification: Likely benign for Hereditary cancer-predisposing syndrome. Last evaluated: 2015-08-17. Review status: criteria provided, single submitter. Criteria: Ambry Variant Classification Scheme 2023. Collection method: clinical testing. Allele origin: germline.